The following is an entry in ClinVar:

ClinVar aggregate classification (germline): Likely benign. Review status: criteria provided, multiple submitters, no conflicts (2 of 4 stars). 2 submissions from 2 submitters: Likely benign (2). Last evaluated 2025-09-29.

Conditions:
Autosomal recessive limb-girdle muscular dystrophy type 2J (LGMDR10). Also called: Limb-girdle muscular dystrophy, type 2J; MUSCULAR DYSTROPHY, LIMB-GIRDLE, AUTOSOMAL RECESSIVE 10. Identifiers: Orphanet 140922, MedGen C1837342, MONDO:0012127, OMIM 608807.
Dilated cardiomyopathy 1G (CMD1G). Identifiers: Orphanet 154, MedGen C1858763, MONDO:0011400, OMIM 604145.

Allele frequency attached by ClinVar (database versions not stated): ExAC 0.00001; gnomAD 0.00001; gnomAD exomes 0.00001.
gnomAD v4.1: 22 of 1,613,398 alleles (0.0014%); highest among the groups gnomAD compares: Non-Finnish European, 0.0019%; no homozygotes.

Submissions (2):

Labcorp Genetics (formerly Invitae), Labcorp
Classification: Likely benign for Dilated cardiomyopathy 1G; Autosomal recessive limb-girdle muscular dystrophy type 2J. Last evaluated: 2025-09-29. Review status: criteria provided, single submitter. Criteria: Invitae Variant Classification Sherloc (09022015). Collection method: clinical testing. Allele origin: germline.

GeneDx
Classification: Likely benign. Last evaluated: 2016-12-07. Review status: criteria provided, single submitter. Criteria: GeneDx Variant Classification (06012015). Collection method: clinical testing. Allele origin: germline. Affected: yes.
Comment: This variant is considered likely benign or benign based on one or more of the following criteria: it is a conservative change, it occurs at a poorly conserved position in the protein, it is predicted to be benign by multiple in silico algorithms, and/or has population frequency not consistent with disease.

NM_001267550.2(TTN):c.16956C>T (p.Tyr5652=)

Genes: TTN (titin; minus strand), LOC126806431 (CDK7 strongly-dependent group 2 enhancer GRCh37_chr2:179595719-179596918; plus strand). Cytogenetic location: 2q31.2.
Variant type: single nucleotide variant.
Coding change: c.16956C>T on transcript NM_001267550.2 (MANE Select); coding-DNA position 16956, C replaced by T.
Protein change: p.Tyr5652=; no amino-acid change (tyrosine 5652 retained).
Molecular consequence: synonymous variant. On other transcripts: intron variant (3).
Genome position (GRCh38, 1-based): chr2:178,731,919, G>A on the plus strand (C>T on the coding strand, the complement: TTN is on the minus strand). VCF-style: chr2-178731919-G-A. GRCh37 (hg19) VCF-style: chr2-179596646-G-A.
Other names: c.16005C>T, p.Tyr5335= (NM_001256850.1); c.13224C>T, p.Tyr4408= (NM_133378.4); c.13282+6163C>T (NM_003319.4); c.13858+6163C>T (NM_133437.4); c.13657+6163C>T (NM_133432.3).
Identifiers: ClinVar variation 391554 (VCV000391554.12), dbSNP rs755186242, ClinGen allele CA2001938.